The following is an entry in ClinVar:

ClinVar aggregate classification (germline): Uncertain significance (1 of 4 stars; one submission).

gnomAD v4.1: 2 of 1,569,556 alleles (0.00013%); highest among the groups gnomAD compares: Non-Finnish European, 0.00017%; no homozygotes.

Submission:

Labcorp Genetics (formerly Invitae), Labcorp
Classification: Uncertain significance. Last evaluated: 2025-01-20. Review status: criteria provided, single submitter. Criteria: Invitae Variant Classification Sherloc (09022015). Collection method: clinical testing. Allele origin: germline.
Comment: This sequence change replaces proline, which is neutral and non-polar, with threonine, which is neutral and polar, at codon 500 of the COL11A2 protein (p.Pro500Thr). This variant is not present in population databases (gnomAD no frequency). This variant has not been reported in the literature in individuals affected with COL11A2-related conditions. Invitae Evidence Modeling of protein sequence and biophysical properties (such as structural, functional, and spatial information, amino acid conservation, physicochemical variation, residue mobility, and thermodynamic stability) indicates that this missense variant is not expected to disrupt COL11A2 protein function with a negative predictive value of 95%. In summary, the available evidence is currently insufficient to determine the role of this variant in disease. Therefore, it has been classified as a Variant of Uncertain Significance.

NM_080680.3(COL11A2):c.1498C>A (p.Pro500Thr)

Gene: COL11A2 (collagen type XI alpha 2 chain; minus strand). Cytogenetic location: 6p21.32.
Variant type: single nucleotide variant.
Coding change: c.1498C>A on transcript NM_080680.3 (MANE Select); coding-DNA position 1498, C replaced by A.
Protein change: p.Pro500Thr; replaces proline 500 with threonine.
Molecular consequence: missense variant.
Genome position (GRCh38, 1-based): chr6:33,179,436, G>T on the plus strand (C>A on the coding strand, the complement: COL11A2 is on the minus strand). VCF-style: chr6-33179436-G-T. GRCh37 (hg19) VCF-style: chr6-33147213-G-T.
Other names: c.1318C>A, p.Pro440Thr (NM_001424108.1); c.652C>A, p.Pro218Thr (NM_001424109.1); c.472C>A, p.Pro158Thr (NM_001424110.1, NM_001424111.1); c.1177C>A, p.Pro393Thr (NM_080679.3); c.1240C>A, p.Pro414Thr (NM_080681.3); short protein forms P158T, P414T, P500T, P218T, P393T, P440T.
Identifiers: ClinVar variation 3700020 (VCV003700020.2).
Genomic context (GRCh38, chr6:33,179,436, plus strand): 5'-TCCACACCCCACACACAATTAAAGCATCCTCCACCCGAGCACCCTGCTCACTCACCAAGG[G>T]TCCAGGGCGCCCTGTGTATCCCATGGGGCCAGGGGGTCCACGGAGCGCCAGCTAGGGGAG-3'
Protein context (NP_542411.2, residues 490-510): GPMGYTGRPG[Pro500Thr]LGQPGSPGLK